The following is an entry in ClinVar:

ClinVar aggregate classification (germline): Uncertain significance. Review status: criteria provided, multiple submitters, no conflicts (2 of 4 stars). 2 submissions from 2 submitters: Uncertain significance (2). Last evaluated 2024-01-25.

Conditions:
Inborn genetic diseases. Identifiers: MedGen C0950123, MeSH D030342.

gnomAD v4.1: 26 of 1,614,062 alleles (0.0016%); highest among the groups gnomAD compares: Non-Finnish European, 0.0021%; no homozygotes.

Submissions (2):

Ambry Genetics
Classification: Uncertain significance for Inborn genetic diseases. Last evaluated: 2024-01-25. Review status: criteria provided, single submitter. Criteria: Ambry Variant Classification Scheme 2023. Collection method: clinical testing. Allele origin: germline.

Labcorp Genetics (formerly Invitae), Labcorp
Classification: Uncertain significance. Last evaluated: 2022-06-14. Review status: criteria provided, single submitter. Criteria: Invitae Variant Classification Sherloc (09022015). Collection method: clinical testing. Allele origin: germline.
Comment: This sequence change replaces threonine, which is neutral and polar, with serine, which is neutral and polar, at codon 303 of the TIMM50 protein (p.Thr303Ser). This variant is not present in population databases (gnomAD no frequency). This variant has not been reported in the literature in individuals affected with TIMM50-related conditions. Algorithms developed to predict the effect of missense changes on protein structure and function are either unavailable or do not agree on the potential impact of this missense change (SIFT: "Not Available"; PolyPhen-2: "Possibly Damaging"; Align-GVGD: "Not Available"). In summary, the available evidence is currently insufficient to determine the role of this variant in disease. Therefore, it has been classified as a Variant of Uncertain Significance.

NM_001001563.5(TIMM50):c.599C>G (p.Thr200Ser)

Gene: TIMM50 (translocase of inner mitochondrial membrane 50; plus strand). Cytogenetic location: 19q13.2.
Variant type: single nucleotide variant.
Coding change: c.599C>G on transcript NM_001001563.5 (MANE Select); coding-DNA position 599, C replaced by G.
Protein change: p.Thr200Ser; replaces threonine 200 with serine.
Molecular consequence: missense variant.
Genome position (GRCh38, 1-based): chr19:39,486,398, C>G. VCF-style: chr19-39486398-C-G. GRCh37 (hg19) VCF-style: chr19-39977038-C-G.
Other names: c.260C>G, p.Thr87Ser (NM_001329559.2); c.908C>G (NM_001001563.1); short protein forms T87S, T200S.
Identifiers: ClinVar variation 1408005 (VCV001408005.6), dbSNP rs770252256, ClinGen allele CA405787760.